The following is an entry in ClinVar:

NM_015557.3(CHD5):c.344A>G (p.Lys115Arg)

Gene: CHD5 (chromodomain helicase DNA binding protein 5; minus strand). Cytogenetic location: 1p36.31.
Variant type: single nucleotide variant.
Coding change: c.344A>G on transcript NM_015557.3 (MANE Select); coding-DNA position 344, A replaced by G.
Protein change: p.Lys115Arg; replaces lysine 115 with arginine.
Molecular consequence: missense variant.
Genome position (GRCh38, 1-based): chr1:6,159,379, T>C on the plus strand (A>G on the coding strand, the complement: CHD5 is on the minus strand). VCF-style: chr1-6159379-T-C. GRCh37 (hg19) VCF-style: chr1-6219439-T-C.
Other names: short protein forms K115R.
Identifiers: ClinVar variation 4881604 (VCV004881604.2).

ClinVar aggregate classification (germline): Uncertain significance (1 of 4 stars; one submission).

Submission:

Dasa
Classification: Uncertain significance. Last evaluated: 2025-08-17. Review status: criteria provided, single submitter. Criteria: DASA Assertion Criteria. Collection method: clinical testing. Allele origin: germline.
Comment: NM_015557.3(CHD5):c.344A>G (p.Lys115Arg) is a missense variant that results in the substitution of lysine with arginine. This variant is rare in population databases. The currently available literature and clinical evidence are not sufficient to establish a definitive association between this variant and the reported condition. Therefore, this variant is classified as a variant of uncertain significance.